The following is an entry in ClinVar:

ClinVar aggregate classification (germline): Uncertain significance (1 of 4 stars; one submission).

Conditions:
Actin accumulation myopathy (CMYO2A). Also called: CONGENITAL MYOPATHY 2A, TYPICAL, AUTOSOMAL DOMINANT; Myopathy, actin, congenital, with cores; Nemaline myopathy 3, with intranuclear rods; Nemaline myopathy type 3; Myopathy, actin, congenital, with excess of thin myofilaments. Identifiers: Orphanet 98904, MedGen C3711389, MONDO:0008070, OMIM 161800.

Submission:

Labcorp Genetics (formerly Invitae), Labcorp
Classification: Uncertain significance for Actin accumulation myopathy. Last evaluated: 2024-03-28. Review status: criteria provided, single submitter. Criteria: Invitae Variant Classification Sherloc (09022015). Collection method: clinical testing. Allele origin: germline.
Comment: This sequence change replaces glutamic acid, which is acidic and polar, with valine, which is neutral and non-polar, at codon 59 of the ACTA1 protein (p.Glu59Val). This variant is not present in population databases (gnomAD no frequency). This variant has not been reported in the literature in individuals affected with ACTA1-related conditions. Advanced modeling of protein sequence and biophysical properties (such as structural, functional, and spatial information, amino acid conservation, physicochemical variation, residue mobility, and thermodynamic stability) has been performed at Invitae for this missense variant, however the output from this modeling did not meet the statistical confidence thresholds required to predict the impact of this variant on ACTA1 protein function. In summary, the available evidence is currently insufficient to determine the role of this variant in disease. Therefore, it has been classified as a Variant of Uncertain Significance.

NM_001100.4(ACTA1):c.176A>T (p.Glu59Val)

Gene: ACTA1 (actin alpha 1, skeletal muscle; minus strand). Cytogenetic location: 1q42.13.
Variant type: single nucleotide variant.
Coding change: c.176A>T on transcript NM_001100.4 (MANE Select); coding-DNA position 176, A replaced by T.
Protein change: p.Glu59Val; replaces glutamic acid 59 with valine.
Molecular consequence: missense variant.
Genome position (GRCh38, 1-based): chr1:229,432,834, T>A on the plus strand (A>T on the coding strand, the complement: ACTA1 is on the minus strand). VCF-style: chr1-229432834-T-A. GRCh37 (hg19) VCF-style: chr1-229568581-T-A.
Other names: short protein forms E59V.
Identifiers: ClinVar variation 3647934 (VCV003647934.2).